The following is an entry in ClinVar:

ClinVar aggregate classification (germline): Uncertain significance (1 of 4 stars; one submission).

Submission:

Labcorp Genetics (formerly Invitae), Labcorp
Classification: Uncertain significance. Last evaluated: 2021-05-10. Review status: criteria provided, single submitter. Criteria: Invitae Variant Classification Sherloc (09022015). Collection method: clinical testing. Allele origin: germline.
Comment: This sequence change falls in intron 13 of the LAMC3 gene. It does not directly change the encoded amino acid sequence of the LAMC3 protein. It affects a nucleotide within the consensus splice site of the intron. This variant is not present in population databases (ExAC no frequency). In summary, the available evidence is currently insufficient to determine the role of this variant in disease. Therefore, it has been classified as a Variant of Uncertain Significance. Nucleotide substitutions within the consensus splice site are a relatively common cause of aberrant splicing (PMID: 17576681, 9536098). Algorithms developed to predict the effect of sequence changes on RNA splicing suggest that this variant is not likely to affect RNA splicing, but this prediction has not been confirmed by published transcriptional studies. This variant has not been reported in the literature in individuals with LAMC3-related conditions.

Literature cited by the submitters: PubMed 17576681; PubMed 9536098.

NM_006059.4(LAMC3):c.2348-3C>T

Gene: LAMC3 (laminin subunit gamma 3; plus strand). Cytogenetic location: 9q34.12.
Variant type: single nucleotide variant.
Coding change: c.2348-3C>T on transcript NM_006059.4 (MANE Select); 3 bases into the intron before coding-DNA position 2348, C replaced by T.
Molecular consequence: intron variant.
Genome position (GRCh38, 1-based): chr9:131,066,957, C>T. VCF-style: chr9-131066957-C-T. GRCh37 (hg19) VCF-style: chr9-133942344-C-T.
Identifiers: ClinVar variation 1475041 (VCV001475041.6), dbSNP rs2133311974, ClinGen allele CA2573144091.
Genomic context (GRCh38, chr9:131,066,957, plus strand): 5'-CCACCCTCATCCCTGGTGGGTCCAGCCAGCTGTGTTCCCCACACGTGCTCCCTCTACACA[C>T]AGGGCGGCGCTGTGAGGTCTGTGATGATGGCTTTTTTGGGGACCCGCTGGGGCTCTTTGG-3'